The following is an entry in ClinVar:

NM_001360.3(DHCR7):c.1348del (p.Arg450fs)

Gene: DHCR7 (7-dehydrocholesterol reductase; minus strand). Cytogenetic location: 11q13.4.
Variant type: Deletion.
Coding change: c.1348del on transcript NM_001360.3 (MANE Select); coding-DNA position 1348, one base deleted (C; older notation c.1348delC).
Protein change: p.Arg450fs; shifts the reading frame from arginine 450.
Molecular consequence: frameshift variant.
Genome position (GRCh38, 1-based): chr11:71,435,455, G deleted on the plus strand (C on the coding strand, the reverse complement: DHCR7 is on the minus strand); the first of 2 consecutive G bases (chr11:71,435,455-71,435,456); deleting either gives the same sequence. VCF-style (leftmost placement, unchanged base first): chr11-71435454-CG-C. GRCh37 (hg19) VCF-style: chr11-71146500-CG-C.
Other names: c.1348del, p.Arg450fs (NM_001163817.2); c.1348delC (NM_001360.2); c.1348del (NM_001360.2); short protein forms R450fs.
Identifiers: ClinVar variation 282268 (VCV000282268.27), dbSNP rs886042362, ClinGen allele CA10604128.

ClinVar aggregate classification (germline): Pathogenic/Likely pathogenic. Review status: criteria provided, multiple submitters, no conflicts (2 of 4 stars). 8 submissions from 8 submitters: Pathogenic (1); Likely pathogenic (5). 2 of the submissions do not count toward it. Last evaluated 2026-09-01.

Conditions:
Smith-Lemli-Opitz syndrome (SLOS). Also called: LETHAL ACRODYSGENITAL SYNDROME; POLYDACTYLY, SEX REVERSAL, RENAL HYPOPLASIA, AND UNILOBAR LUNG; RSH SYNDROME; RUTLEDGE LETHAL MULTIPLE CONGENITAL ANOMALY SYNDROME; 7-Dehydrocholesterol reductase deficiency. Identifiers: Orphanet 818, MedGen C0175694, MONDO:0010035, OMIM 270400.
DHCR7-related disorder. Also called: DHCR7-related condition.

Submissions (8):

GeneDx
Classification: Likely pathogenic. Last evaluated: 2026-09-01. Review status: criteria provided, single submitter. Criteria: GeneDx Variant Classification Process June 2021. Collection method: clinical testing. Allele origin: germline.
Comment: Frameshift variant predicted to result in abnormal protein length as the last 26 amino acids are replaced with 30 different amino acids, and other similar variants have been reported in HGMD; Has not been previously published as pathogenic or benign to our knowledge; Not observed at significant frequency in large population cohorts (gnomAD)

Labcorp Genetics (formerly Invitae), Labcorp
Classification: Pathogenic for Smith-Lemli-Opitz syndrome. Last evaluated: 2026-01-10. Review status: criteria provided, single submitter. Criteria: Invitae Variant Classification Sherloc (09022015). Collection method: clinical testing. Allele origin: germline.
Comment: This sequence change is expected to alter the c-terminus of the DHCR7 protein (p.Arg450Alafs*31). While this is not anticipated to result in nonsense mediated decay, it is expected to disrupt the last 26 amino acid(s) of the DHCR7 protein and extend the protein by 4 additional amino acid residues. This variant is not present in population databases (gnomAD no frequency). This variant has not been reported in the literature in individuals affected with DHCR7-related conditions. ClinVar contains an entry for this variant (Variation ID: 282268). This variant disrupts a region of the DHCR7 protein in which other variant(s) (p.Arg450Leu) have been determined to be pathogenic (PMID: 10405455, 15896653, 16181459, 22391996, 25405082). This suggests that this is a clinically significant region of the protein, and that variants that disrupt it are likely to be disease-causing. For these reasons, this variant has been classified as Pathogenic.

Natera, Inc.
Classification: Likely pathogenic for Smith-Lemli-Opitz syndrome. Last evaluated: 2025-08-14. Review status: criteria provided, single submitter. Criteria: Natera Variant Classification Schema (03/2026). Collection method: clinical testing. Allele origin: germline.
Comment: The c.1348delC variant in DHCR7 is a frameshift variant predicted to elongate the protein beyond the termination codon. This variant is expected to result in nonsense mediated decay, truncation, or a dysfunctional protein product. This variant is rare in the general population with a frequency below the threshold expected for the associated phenotype(s). Given the available evidence, this variant is classified as Likely Pathogenic.

Fulgent Genetics
Classification: Likely pathogenic for Smith-Lemli-Opitz syndrome. Last evaluated: 2024-05-25. Review status: criteria provided, single submitter. Criteria: ACMG Guidelines, 2015. Collection method: clinical testing. Allele origin: germline.

Women's Health and Genetics/Laboratory Corporation of America, LabCorp
Classification: Likely pathogenic for Smith-Lemli-Opitz syndrome. Last evaluated: 2021-04-01. Review status: criteria provided, single submitter. Criteria: LabCorp Variant Classification Summary - May 2015. Collection method: clinical testing. Allele origin: germline.
Comment: Variant summary: DHCR7 c.1348delC (p.Arg450AlafsX31) located in the last exon (exon 9) causes a frameshift which results in an extension of the protein. The variant was absent in 248600 control chromosomes. c.1348delC has been reported in the literature in one heterozygous individual who had a near normal ratio of fractional choloesterol synthesis (Wassif_2005). These report(s) do not provide unequivocal conclusions about association of the variant with Smith-Lemli-Opitz Syndrome. To our knowledge, no experimental evidence demonstrating an impact on protein function has been reported. Two clinical diagnostic laboratories have submitted clinical-significance assessments for this variant to ClinVar after 2014 without evidence for independent evaluation. One laboratory classified the variant as likely pathogenic, and one laboratory classified the variant as uncertain significance. Based on the evidence outlined above, the variant was classified as likely pathogenic.

Eurofins Ntd Llc (ga)
Classification: Likely pathogenic. Last evaluated: 2015-08-11. Review status: criteria provided, single submitter. Criteria: EGL Classification Definitions 2015. Collection method: clinical testing. Allele origin: germline. Observed: 1 variant allele, 1 heterozygote.

PreventionGenetics, part of Exact Sciences
Classification: Likely pathogenic for DHCR7-related condition. Last evaluated: 2024-07-18. Review status: no assertion criteria provided. Collection method: clinical testing. Allele origin: germline. Not counted in ClinVar's aggregate classification.
Comment: The DHCR7 c.1348delC variant is predicted to result in a frameshift and premature protein termination (p.Arg450Alafs*31). To our knowledge, this variant has not been reported in the literature in any affected individuals. It is absent from large population database, indicating this variant is rare. This variant is not expected to lead to nonsense-mediated mRNA decay (NMD), but it is predicted to disrupt the terminal 26 amino acids of the DHCR7 and extend the protein by an additional 4 amino acids. Multiple changes downstream of this variant, such as premature termination, stop loss/extension, and missense variants, have been reported in association with Smith-Lemli-Opitz syndrome (SLOS) (Yan et al. 2019. PubMed ID: 31088393; Matsumoto et al. 2005. PubMed ID: 16044199; Witsch-Baumgartner et al. 2005. PubMed ID: 15776424). Taken together, the c.1348del (p.Arg450Alafs*31) variant is interpreted as likely pathogenic.

Counsyl
Classification: Uncertain significance for Smith-Lemli-Opitz syndrome. Last evaluated: 2018-04-20. Review status: no assertion criteria provided. Collection method: clinical testing. Allele origin: unknown. Not counted in ClinVar's aggregate classification.

Literature cited by the submitters: PubMed 10405455 (cited by Labcorp Genetics (formerly Invitae), Labcorp); PubMed 15896653 (cited by 3 submitters); PubMed 16181459 (cited by Labcorp Genetics (formerly Invitae), Labcorp); PubMed 22391996 (cited by Labcorp Genetics (formerly Invitae), Labcorp); PubMed 25405082 (cited by Labcorp Genetics (formerly Invitae), Labcorp).